The following is an entry in ClinVar:

ClinVar aggregate classification (germline): Pathogenic. Review status: criteria provided, multiple submitters, no conflicts (2 of 4 stars). 2 submissions from 2 submitters: Pathogenic (2). Last evaluated 2023-05-01.

Conditions:
Familial adenomatous polyposis 1 (FAP1). Also called: POLYPOSIS, ADENOMATOUS INTESTINAL; FAMILIAL ADENOMATOUS POLYPOSIS 1, ATTENUATED. Identifiers: MedGen C2713442, MONDO:0021056, OMIM 175100. Disease mechanism: loss of function.

Submissions (2):

Myriad Genetics, Inc.
Classification: Pathogenic for Familial adenomatous polyposis 1. Last evaluated: 2023-05-01. Review status: criteria provided, single submitter. Criteria: Myriad Autosomal Dominant, Autosomal Recessive and X-Linked Classification Criteria (2023). Collection method: clinical testing. Allele origin: unknown.
Comment: This variant is considered pathogenic. This variant creates a termination codon and is predicted to result in premature protein truncation.

Labcorp Genetics (formerly Invitae), Labcorp
Classification: Pathogenic for Familial adenomatous polyposis 1. Last evaluated: 2022-08-16. Review status: criteria provided, single submitter. Criteria: Invitae Variant Classification Sherloc (09022015). Collection method: clinical testing. Allele origin: germline.
Comment: This sequence change creates a premature translational stop signal (p.Ala514*) in the APC gene. It is expected to result in an absent or disrupted protein product. Loss-of-function variants in APC are known to be pathogenic (PMID: 17963004, 20685668). This variant is not present in population databases (gnomAD no frequency). This variant has not been reported in the literature in individuals affected with APC-related conditions. ClinVar contains an entry for this variant (Variation ID: 469711). For these reasons, this variant has been classified as Pathogenic.

Literature cited by the submitters: PubMed 17963004 (cited by Labcorp Genetics (formerly Invitae), Labcorp); PubMed 20685668 (cited by Labcorp Genetics (formerly Invitae), Labcorp).

NM_000038.6(APC):c.1538_1539dup (p.Ala514Ter)

Gene: APC (APC regulator of Wnt signaling pathway; plus strand). Cytogenetic location: 5q22.2.
Variant type: Duplication.
Coding change: c.1538_1539dup on transcript NM_000038.6 (MANE Select); coding-DNA positions 1538 to 1539, 2 bases duplicated (TA; older notation c.1538_1539dupTA).
Protein change: p.Ala514Ter; replaces alanine 514 with a stop codon.
Molecular consequence: nonsense.
Genome position (GRCh38, 1-based): chr5:112,827,237-112,827,238, TA duplicated. VCF-style (leftmost placement, unchanged base first): chr5-112827236-G-GTA. GRCh37 (hg19) VCF-style: chr5-112162933-G-GTA.
Other names: c.1538_1539dup, p.Ala514Ter (NM_001127510.3, NM_001354895.2); c.1484_1485dup, p.Ala496Ter (NM_001127511.3); c.1592_1593dup, p.Ala532Ter (NM_001354896.2); c.1568_1569dup, p.Ala524Ter (NM_001354897.2); c.1463_1464dup, p.Ala489Ter (NM_001354898.2); c.1454_1455dup, p.Ala486Ter (NM_001354899.2); c.1415_1416dup, p.Ala473Ter (NM_001354900.2); c.1361_1362dup, p.Ala455Ter (NM_001354901.2); and 6 more; short protein forms A354*, A455*, A473*, A489*, A388*, A496*, A514*, A524*.
Identifiers: ClinVar variation 469711 (VCV000469711.11), dbSNP rs1554081762, ClinGen allele CA658655940.